The following is an entry in ClinVar:

NM_001368882.1(COL13A1):c.2044G>C (p.Asp682His)

Gene: COL13A1 (collagen type XIII alpha 1 chain; plus strand). Cytogenetic location: 10q22.1.
Variant type: single nucleotide variant.
Coding change: c.2044G>C on transcript NM_001368882.1 (MANE Select); coding-DNA position 2044, G replaced by C.
Protein change: p.Asp682His; replaces aspartic acid 682 with histidine.
Molecular consequence: missense variant.
Genome position (GRCh38, 1-based): chr10:69,947,328, G>C. VCF-style: chr10-69947328-G-C. GRCh37 (hg19) VCF-style: chr10-71707084-G-C.
Other names: c.1300G>C, p.Asp434His (NM_001368886.1); c.1831G>C, p.Asp611His (NM_001368895.1); c.1753G>C, p.Asp585His (NM_001368896.1); c.1744G>C, p.Asp582His (NM_001368897.1); c.1804G>C, p.Asp602His (NM_001368898.1); c.1795G>C, p.Asp599His (NM_080798.4); c.1918G>C, p.Asp640His (NM_080800.4); c.1945G>C, p.Asp649His (NM_080801.4); and 7 more; short protein forms D582H, D622H, D434H, D599H, D602H, D620H, D640H, D608H.
Identifiers: ClinVar variation 1484681 (VCV001484681.8), dbSNP rs2136214669, ClinGen allele CA376934949.

ClinVar aggregate classification (germline): Uncertain significance (1 of 4 stars; one submission).

gnomAD v4.1: 1 of 1,613,026 alleles (0.000062%); highest among the groups gnomAD compares: Non-Finnish European, 0.000085%; no homozygotes.

Submission:

Labcorp Genetics (formerly Invitae), Labcorp
Classification: Uncertain significance. Last evaluated: 2021-06-01. Review status: criteria provided, single submitter. Criteria: Invitae Variant Classification Sherloc (09022015). Collection method: clinical testing. Allele origin: germline.
Comment: This sequence change replaces aspartic acid with histidine at codon 671 of the COL13A1 protein (p.Asp671His). The aspartic acid residue is highly conserved and there is a moderate physicochemical difference between aspartic acid and histidine. This variant is not present in population databases (ExAC no frequency). This variant has not been reported in the literature in individuals with COL13A1-related conditions. Algorithms developed to predict the effect of missense changes on protein structure and function (SIFT, PolyPhen-2, Align-GVGD) all suggest that this variant is likely to be disruptive, but these predictions have not been confirmed by published functional studies and their clinical significance is uncertain. In summary, the available evidence is currently insufficient to determine the role of this variant in disease. Therefore, it has been classified as a Variant of Uncertain Significance.